The following is an entry in ClinVar:

ClinVar aggregate classification (germline): Pathogenic (3 of 4 stars; one submission).

Conditions:
GUCY2D-related recessive retinopathy. Also called: Recessive GUCY2D retinopathy. Identifiers: MedGen CN305603, MONDO:0100453.

Submission:

ClinGen Leber Congenital Amaurosis/early Onset Retinal Dystrophy Variant Curation Expert Panel, ClinGen
Classification: Pathogenic for GUCY2D-related recessive retinopathy. Last evaluated: 2026-09-09. Review status: reviewed by expert panel. Criteria: ClinGen LCAeoRD ACMG Specifications GUCY2D V1.0.0. Collection method: curation. Allele origin: germline. Inheritance: Autosomal recessive inheritance.
Comment: NM_000180.4(GUCY2D):c.2945del (p.Gly982Valfs*39) is a frameshift variant that introduces a premature stop codon into exon 16 of 20 and is predicted to lead to nonsense-mediated decay in a gene in which loss-of-function is an established mechanism of disease (PVS1). This variant is absent from gnomAD v4.1.1 (PM2_Supporting). This variant has been reported in at least 1 proband with early-onset severe retinal dystrophy who was compound heterozygous with the NM_000180.4(GUCY2D):c.1996C>T (p.Arg666Trp) variant suspected in trans (PMID: 29559409), which was previously classified likely pathogenic by the ClinGen LCA/eoRD VCEP. Points were not used for PM3 to avoid circularity. The proband exhibits a phenotype including diagnosis of congenital stationary night blindness (0.5 pts), vision loss in dim light since early infancy (1 pt), normal retinal structure by optical coherence tomography (1 pt), a non-detectable rod isolating electroretinogram (0.5 pts), evidence of cone involvement on ERG (1 pt) and genotyping by exome sequencing that did not provide an alternative explanation for visual impairment (4 pts), which together are highly specific for GUCY2D-related recessive retinopathy (8 total points, PMID: 29559409, PP4_Moderate). In summary, this variant meets the criteria to be classified as Pathogenic for GUCY2D-related recessive retinopathy based on the ACMG/AMP criteria applied, as specified by the ClinGen LCA/eoRD VCEP: PVS1, PM2_Supporting, and PP4_Moderate. (VCEP specifications version 1.0.0; date of approval 01/22/2025).

NC_000017.11:g.8015743del

Gene: GUCY2D (guanylate cyclase 2D, retinal; plus strand). Cytogenetic location: 17p13.1.
Variant type: Deletion.
Genome position: GRCh38 VCF-style: chr17-8015741-AG-A. GRCh37 (hg19) VCF-style: chr17-7919059-AG-A.
Other names: NM_000180.4:c.2945del.
Identifiers: ClinVar variation 4888308 (VCV004888308.1).